The following is an entry in ClinVar:

ClinVar aggregate classification (germline): Uncertain significance. Review status: criteria provided, multiple submitters, no conflicts (2 of 4 stars). 3 submissions from 3 submitters: Uncertain significance (3). Last evaluated 2024-04-01.

Conditions:
Hereditary sensory and autonomic neuropathy type 6. Also called: Neuropathy, hereditary sensory and autonomic, type VI; HSAN VI. Identifiers: Orphanet 314381, MedGen C3539003, MONDO:0013839, OMIM 614653.
Epidermolysis bullosa simplex 3, localized or generalized intermediate, with BP230 deficiency (EBS3). Also called: Epidermolysis bullosa simplex, autosomal recessive 2; Epidermolysis bullosa simplex due to BP230 deficiency. Identifiers: Orphanet 412181, MedGen C3809470, MONDO:0014180, OMIM 615425.
Inborn genetic diseases. Identifiers: MedGen C0950123, MeSH D030342.

Allele frequency attached by ClinVar (database versions not stated): gnomAD 0.00002 and 0.00003; TOPMed 0.00003; ExAC 0.00004; gnomAD exomes 0.00004; ESP Exome Variant Server 0.00017.
gnomAD v4.1: 135 of 1,613,064 alleles (0.0084%); highest among the groups gnomAD compares: Non-Finnish European, 0.011%; 1 homozygote.

Submissions (3):

CeGaT Center for Human Genetics Tuebingen
Classification: Uncertain significance. Last evaluated: 2024-04-01. Review status: criteria provided, single submitter. Criteria: CeGaT Center For Human Genetics Tuebingen Variant Classification Criteria Version 2. Collection method: clinical testing. Allele origin: germline. Affected: yes. Observed: 1 variant allele.
Comment: DST: PM2, BP4

Labcorp Genetics (formerly Invitae), Labcorp
Classification: Uncertain significance for Epidermolysis bullosa simplex 3, localized or generalized intermediate, with BP230 deficiency; Hereditary sensory and autonomic neuropathy type 6. Last evaluated: 2022-08-21. Review status: criteria provided, single submitter. Criteria: Invitae Variant Classification Sherloc (09022015). Collection method: clinical testing. Allele origin: germline.
Comment: The DST gene has multiple clinically relevant transcripts. This variant occurs in alternate transcript NM_015548.4, and corresponds to NM_001723.5:c.*3960T>C in the primary transcript. This sequence change replaces serine, which is neutral and polar, with proline, which is neutral and non-polar, at codon 1163 of the DST protein (p.Ser1163Pro). This variant is present in population databases (rs369856118, gnomAD 0.008%). This variant has not been reported in the literature in individuals affected with DST-related conditions. Experimental studies and prediction algorithms are not available or were not evaluated, and the functional significance of this variant is currently unknown. In summary, the available evidence is currently insufficient to determine the role of this variant in disease. Therefore, it has been classified as a Variant of Uncertain Significance.

Ambry Genetics
Classification: Uncertain significance for Inborn genetic diseases. Last evaluated: 2022-02-16. Review status: criteria provided, single submitter. Criteria: Ambry Variant Classification Scheme 2023. Collection method: clinical testing. Allele origin: germline.
Comment: The p.S1667P variant (also known as c.4999T>C), located in coding exon 37 of the DST gene, results from a T to C substitution at nucleotide position 4999. The serine at codon 1667 is replaced by proline, an amino acid with similar properties. This amino acid position is highly conserved through mammals but not in all available vertebrate species. In addition, the in silico prediction for this alteration is inconclusive. Since supporting evidence is limited at this time, the clinical significance of this alteration remains unclear.

NM_001374736.1(DST):c.5098T>C (p.Ser1700Pro)

Gene: DST (dystonin; minus strand). Cytogenetic location: 6p12.1.
Variant type: single nucleotide variant.
Coding change: c.5098T>C on transcript NM_001374736.1 (MANE Select); coding-DNA position 5098, T replaced by C.
Protein change: p.Ser1700Pro; replaces serine 1700 with proline.
Molecular consequence: missense variant.
Genome position (GRCh38, 1-based): chr6:56,611,557, A>G on the plus strand (T>C on the coding strand, the complement: DST is on the minus strand). VCF-style: chr6-56611557-A-G. GRCh37 (hg19) VCF-style: chr6-56476355-A-G.
Other names: c.4999T>C, p.Ser1667Pro (NM_001144769.5); c.4585T>C, p.Ser1529Pro (NM_001144770.2); c.5098T>C, p.Ser1700Pro (NM_001374722.1); c.4465T>C, p.Ser1489Pro (NM_001374729.1, NM_001374730.1, NM_001386100.1 and 1 more transcripts); c.5125T>C, p.Ser1709Pro (NM_001374734.1); c.3487T>C, p.Ser1163Pro (NM_015548.5); short protein forms S1163P, S1489P, S1529P, S1667P, S1700P, S1709P.
Identifiers: ClinVar variation 1004523 (VCV001004523.28), dbSNP rs369856118, ClinGen allele CA3869804.